The following is an entry in ClinVar:

NM_007294.4(BRCA1):c.1504_1507del (p.Leu502fs)

Gene: BRCA1 (BRCA1 DNA repair associated; minus strand). Cytogenetic location: 17q21.31.
Variant type: Deletion.
Coding change: c.1504_1507del on transcript NM_007294.4 (MANE Select); coding-DNA positions 1504 to 1507, 4 bases deleted (TTAA; older notation c.1504_1507delTTAA).
Protein change: p.Leu502fs; shifts the reading frame from leucine 502.
Molecular consequence: frameshift variant. On other transcripts: intron variant (137).
Genome position (GRCh38, 1-based): chr17:43,094,024-43,094,027, TTAA deleted on the plus strand (TTAA on the coding strand, the reverse complement: BRCA1 is on the minus strand); deleting any 4 consecutive bases within chr17:43,094,024-43,094,029 gives the same sequence; the c. name uses the placement nearest the transcript's 3' end. VCF-style (leftmost placement, unchanged base first): chr17-43094023-TTTAA-T. GRCh37 (hg19) VCF-style: chr17-41246040-TTTAA-T.
Other names: 1623_1627delTTAA; c.1504_1507delTTAA (NM_007294.3); c.1363_1366del, p.Leu455fs (NM_001407739.1, NM_001407750.1, NM_001407751.1 and 29 more transcripts); c.1360_1363del, p.Leu454fs (NM_001407740.1, NM_001407741.1, NM_001407742.1 and 20 more transcripts); c.1291_1294del, p.Leu431fs (NM_001407853.1, NM_001407894.1, NM_001407895.1 and 9 more transcripts); c.1504_1507del, p.Leu502fs (NM_001407854.1, NM_001407858.1, NM_001407859.1 and 30 more transcripts); c.1501_1504del, p.Leu501fs (NM_001407860.1, NM_001407861.1, NM_001407587.1 and 22 more transcripts); c.1303_1306del, p.Leu435fs (NM_001407862.1); and 42 more; short protein forms L502fs, L455fs, L334fs, L413fs, L414fs, L431fs, L460fs, L475fs.
Identifiers: ClinVar variation 266170 (VCV000266170.23), dbSNP rs886039955, ClinGen allele CA10589934.

ClinVar aggregate classification (germline): Pathogenic. Review status: reviewed by expert panel (3 of 4 stars). 5 submissions from 5 submitters: Pathogenic (1). 4 of the submissions do not count toward it. Last evaluated 2016-10-18.

Conditions:
Hereditary cancer-predisposing syndrome. Also called: Hereditary Cancer Syndrome; Neoplastic Syndromes, Hereditary; Hereditary neoplastic syndrome; Tumor predisposition. Identifiers: Orphanet 140162, MedGen C0027672, MeSH D009386, MONDO:0015356.
Hereditary breast ovarian cancer syndrome. Also called: Hereditary breast and ovarian cancer syndrome (HBOC); Breast and ovarian cancer; Hereditary breast and ovarian cancer syndrome; Hereditary breast and ovarian cancer; BRCA1- and BRCA2-Associated Hereditary Breast and Ovarian Cancer; Hereditary breast and/or ovarian cancer syndrome. Identifiers: Orphanet 145, MedGen C0677776, MeSH D061325, MONDO:0003582. Disease mechanism: loss of function.
Breast-ovarian cancer, familial, susceptibility to, 1 (BROVCA1). Also called: BRCA1 Hereditary Breast and Ovarian Cancer; OVARIAN CANCER, SUSCEPTIBILITY TO. Identifiers: Orphanet 145, MedGen C2676676, MONDO:0011450, OMIM 604370. Disease mechanism: loss of function.

Submissions (5):

Evidence-based Network for the Interpretation of Germline Mutant Alleles (ENIGMA)
Classification: Pathogenic for Breast-ovarian cancer, familial, susceptibility to, 1. Last evaluated: 2016-10-18. Review status: reviewed by expert panel. Criteria: ENIGMA BRCA1/2 Classification Criteria (2015). Collection method: curation. Allele origin: germline.
Comment: Variant allele predicted to encode a truncated non-functional protein.

Labcorp Genetics (formerly Invitae), Labcorp
Classification: Pathogenic for Hereditary breast ovarian cancer syndrome. Last evaluated: 2024-10-13. Review status: criteria provided, single submitter. Criteria: Invitae Variant Classification Sherloc (09022015). Collection method: clinical testing. Allele origin: germline. Not counted in ClinVar's aggregate classification.
Comment: This sequence change creates a premature translational stop signal (p.Leu502Serfs*29) in the BRCA1 gene. It is expected to result in an absent or disrupted protein product. Loss-of-function variants in BRCA1 are known to be pathogenic (PMID: 20104584). This variant is not present in population databases (gnomAD no frequency). This premature translational stop signal has been observed in individual(s) with a personal and/or family history of breast and ovarian cancer (PMID: 23961350, 29088781, 29446198, 30103829). This variant is also known as c.1502_1505delAATT. ClinVar contains an entry for this variant (Variation ID: 266170). For these reasons, this variant has been classified as Pathogenic.

Ambry Genetics
Classification: Pathogenic for Hereditary cancer-predisposing syndrome. Last evaluated: 2023-12-13. Review status: criteria provided, single submitter. Criteria: Ambry Variant Classification Scheme 2023. Collection method: clinical testing. Allele origin: germline. Not counted in ClinVar's aggregate classification.
Comment: The c.1504_1507delTTAA pathogenic mutation, located in coding exon 9 of the BRCA1 gene, results from a deletion of 4 nucleotides at nucleotide positions 1504 to 1507, causing a translational frameshift with a predicted alternate stop codon (p.L502Sfs*29). In addition to the clinical data presented in the literature, this alteration is expected to result in loss of function by premature protein truncation or nonsense-mediated mRNA decay. As such, this alteration is interpreted as a disease-causing mutation.

Color Diagnostics, LLC DBA Color Health
Classification: Pathogenic for Hereditary cancer-predisposing syndrome. Last evaluated: 2022-04-25. Review status: criteria provided, single submitter. Criteria: ACMG Guidelines, 2015. Collection method: clinical testing. Allele origin: germline. Not counted in ClinVar's aggregate classification.
Comment: This variant deletes 4 nucleotides in exon 10 of the BRCA1 gene, creating a frameshift and premature translation stop signal. This variant is expected to result in an absent or non-functional protein product. This variant has been reported in multiple individuals and families affected with breast and ovarian cancer (PMID: 23961350, 29088781, 30103829, 31125277, 34072659), and has been identified in 4 families among the CIMBA participants (PMID: 29446198). This variant has not been identified in the general population by the Genome Aggregation Database (gnomAD). Loss of BRCA1 function is a known mechanism of disease. Based on the available evidence, this variant is classified as Pathogenic.

Consortium of Investigators of Modifiers of BRCA1/2 (CIMBA), c/o University of Cambridge
Classification: Pathogenic for Breast-ovarian cancer, familial, susceptibility to, 1. Last evaluated: 2015-10-02. Review status: criteria provided, single submitter. Criteria: CIMBA Mutation Classification guidelines May 2016. Collection method: clinical testing. Allele origin: germline. Not counted in ClinVar's aggregate classification.

Literature cited by the submitters: PubMed 20104584 (cited by Labcorp Genetics (formerly Invitae), Labcorp); PubMed 23961350 (cited by 3 submitters); PubMed 29088781 (cited by 3 submitters); PubMed 29446198 (cited by Labcorp Genetics (formerly Invitae), Labcorp and Color Diagnostics, LLC DBA Color Health); PubMed 30103829 (cited by 3 submitters); PubMed 31125277 (cited by Ambry Genetics and Color Diagnostics, LLC DBA Color Health); PubMed 34072659 (cited by Color Diagnostics, LLC DBA Color Health).